The following is an entry in ClinVar:

NM_014339.7(IL17RA):c.1871T>G (p.Val624Gly)

Gene: IL17RA (interleukin 17 receptor A; plus strand). Cytogenetic location: 22q11.1.
Variant type: single nucleotide variant.
Coding change: c.1871T>G on transcript NM_014339.7 (MANE Select); coding-DNA position 1871, T replaced by G.
Protein change: p.Val624Gly; replaces valine 624 with glycine.
Molecular consequence: missense variant.
Genome position (GRCh38, 1-based): chr22:17,109,090, T>G. VCF-style: chr22-17109090-T-G. GRCh37 (hg19) VCF-style: chr22-17589980-T-G.
Other names: c.1769T>G, p.Val590Gly (NM_001289905.2); short protein forms V590G, V624G.
Identifiers: ClinVar variation 3653555 (VCV003653555.2).
Genomic context (GRCh38, chr22:17,109,090, plus strand): 5'-AGGTGTTTGAGGAGCCACTGCTGCCTCCGGGAACCGGCATCGTGAAGCGGGCGCCCCTGG[T>G]GCGCGAGCCTGGCTCCCAGGCCTGCCTGGCCATAGACCCGCTGGTCGGGGAGGAAGGAGG-3'
Protein context (NP_055154.3, residues 614-634): GTGIVKRAPL[Val624Gly]REPGSQACLA

ClinVar aggregate classification (germline): Uncertain significance (1 of 4 stars; one submission).

Conditions:
Immunodeficiency 51 (IMD51). Also called: CANDIDIASIS, FAMILIAL, 5. Identifiers: Orphanet 1334, MedGen C4310803, MONDO:0013500, OMIM 613953.

Submission:

Labcorp Genetics (formerly Invitae), Labcorp
Classification: Uncertain significance for Immunodeficiency 51. Last evaluated: 2024-05-15. Review status: criteria provided, single submitter. Criteria: Invitae Variant Classification Sherloc (09022015). Collection method: clinical testing. Allele origin: germline.
Comment: This sequence change replaces valine, which is neutral and non-polar, with glycine, which is neutral and non-polar, at codon 624 of the IL17RA protein (p.Val624Gly). This variant is not present in population databases (gnomAD no frequency). This variant has not been reported in the literature in individuals affected with IL17RA-related conditions. Advanced modeling of protein sequence and biophysical properties (such as structural, functional, and spatial information, amino acid conservation, physicochemical variation, residue mobility, and thermodynamic stability) performed at Invitae indicates that this missense variant is expected to disrupt IL17RA protein function with a positive predictive value of 80%. In summary, the available evidence is currently insufficient to determine the role of this variant in disease. Therefore, it has been classified as a Variant of Uncertain Significance.